The following is an entry in ClinVar:

ClinVar aggregate classification (germline): Uncertain significance (1 of 4 stars; one submission).

Submission:

Labcorp Genetics (formerly Invitae), Labcorp
Classification: Uncertain significance. Last evaluated: 2022-10-17. Review status: criteria provided, single submitter. Criteria: Invitae Variant Classification Sherloc (09022015). Collection method: clinical testing. Allele origin: germline.
Comment: This sequence change creates a premature translational stop signal (p.Ile304Phefs*62) in the TBX20 gene. While this is not anticipated to result in nonsense mediated decay, it is expected to disrupt the last 144 amino acid(s) of the TBX20 protein. In summary, the available evidence is currently insufficient to determine the role of this variant in disease. Therefore, it has been classified as a Variant of Uncertain Significance. This variant has not been reported in the literature in individuals affected with TBX20-related conditions. This variant is not present in population databases (gnomAD no frequency).

NM_001077653.2(TBX20):c.909del (p.Ile304fs)

Gene: TBX20 (T-box transcription factor 20; minus strand). Cytogenetic location: 7p14.2.
Variant type: Deletion.
Coding change: c.909del on transcript NM_001077653.2 (MANE Select); coding-DNA position 909, one base deleted (G; older notation c.909delG).
Protein change: p.Ile304fs; shifts the reading frame from isoleucine 304.
Molecular consequence: frameshift variant.
Genome position (GRCh38, 1-based): chr7:35,204,564, C deleted on the plus strand (G on the coding strand, the reverse complement: TBX20 is on the minus strand). VCF-style (leftmost placement, unchanged base first): chr7-35204563-TC-T. GRCh37 (hg19) VCF-style: chr7-35244175-TC-T.
Other names: short protein forms I304fs.
Identifiers: ClinVar variation 2035888 (VCV002035888.4), dbSNP rs2546981581, ClinGen allele CA2580077077.